The following is an entry in ClinVar:

NM_001146262.4(SYT14):c.226+2659G>A

Gene: SYT14 (synaptotagmin 14; plus strand). Cytogenetic location: 1q32.2.
Variant type: single nucleotide variant.
Coding change: c.226+2659G>A on transcript NM_001146262.4 (MANE Select); 2659 bases into the intron after coding-DNA position 226, G replaced by A.
Molecular consequence: intron variant. On other transcripts: synonymous variant (2).
Genome position (GRCh38, 1-based): chr1:210,016,456, G>A. VCF-style: chr1-210016456-G-A. GRCh37 (hg19) VCF-style: chr1-210189801-G-A.
Other names: c.453G>A, p.Gly151= (NM_001397544.1, NM_001397545.1); c.112+2659G>A (NM_001256006.3); c.361+2659G>A (NM_001146261.4, NM_001146264.4); c.226+2659G>A (NM_153262.5).
Identifiers: ClinVar variation 3771455 (VCV003771455.13).

ClinVar aggregate classification (germline): Likely benign (1 of 4 stars; one submission).

gnomAD v4.1: 288 of 1,232,026 alleles (0.023%); highest among the groups gnomAD compares: African/African-American, 0.39%; 1 homozygote.

Submission:

CeGaT Center for Human Genetics Tuebingen
Classification: Likely benign. Last evaluated: 2025-01-01. Review status: criteria provided, single submitter. Criteria: CeGaT Center For Human Genetics Tuebingen Variant Classification Criteria Version 2. Collection method: clinical testing. Allele origin: germline. Affected: yes. Observed: 1 variant allele.
Comment: SYT14: BP4, BP7